The following is an entry in ClinVar:

ClinVar aggregate classification (germline): Uncertain significance (1 of 4 stars; one submission).

Conditions:
Inborn genetic diseases. Identifiers: MedGen C0950123, MeSH D030342.

gnomAD v4.1: 2 of 1,614,160 alleles (0.00012%); highest among the groups gnomAD compares: East Asian, 0.0022%; no homozygotes.

Submission:

Ambry Genetics
Classification: Uncertain significance for Inborn genetic diseases. Last evaluated: 2025-10-14. Review status: criteria provided, single submitter. Criteria: Ambry Variant Classification Scheme 2023. Collection method: clinical testing. Allele origin: germline.
Comment: The p.I79V variant (also known as c.235A>G), located in coding exon 1 of the SAMD9 gene, results from an A to G substitution at nucleotide position 235. The isoleucine at codon 79 is replaced by valine, an amino acid with highly similar properties. This amino acid position is conserved. In addition, this alteration is predicted to be tolerated by in silico analysis. Based on the available evidence, the clinical significance of this variant remains unclear.

NM_017654.4(SAMD9):c.235A>G (p.Ile79Val)

Gene: SAMD9 (sterile alpha motif domain containing 9; minus strand). Cytogenetic location: 7q21.2.
Variant type: single nucleotide variant.
Coding change: c.235A>G on transcript NM_017654.4 (MANE Select); coding-DNA position 235, A replaced by G.
Protein change: p.Ile79Val; replaces isoleucine 79 with valine.
Molecular consequence: missense variant.
Genome position (GRCh38, 1-based): chr7:93,105,863, T>C on the plus strand (A>G on the coding strand, the complement: SAMD9 is on the minus strand). VCF-style: chr7-93105863-T-C. GRCh37 (hg19) VCF-style: chr7-92735176-T-C.
Other names: c.235A>G, p.Ile79Val (NM_001193307.2); short protein forms I79V.
Identifiers: ClinVar variation 4629870 (VCV004629870.1).